The following is an entry in ClinVar:

NM_001378454.1(ALMS1):c.719C>T (p.Pro240Leu)

Gene: ALMS1 (ALMS1 centrosome and basal body associated protein; plus strand). Cytogenetic location: 2p13.1.
Variant type: single nucleotide variant.
Coding change: c.719C>T on transcript NM_001378454.1 (MANE Select); coding-DNA position 719, C replaced by T.
Protein change: p.Pro240Leu; replaces proline 240 with leucine.
Molecular consequence: missense variant.
Genome position (GRCh38, 1-based): chr2:73,422,929, C>T. VCF-style: chr2-73422929-C-T. GRCh37 (hg19) VCF-style: chr2-73650057-C-T.
Other names: c.722C>T, p.Pro241Leu (NM_015120.4); short protein forms P241L, P240L.
Identifiers: ClinVar variation 2050177 (VCV002050177.2), dbSNP rs745542570, ClinGen allele CA1712940.

ClinVar aggregate classification (germline): Uncertain significance. Review status: criteria provided, multiple submitters, no conflicts (2 of 4 stars). 2 submissions from 2 submitters: Uncertain significance (2). Last evaluated 2022-12-08.

Conditions:
Alstrom syndrome (ALMS). Identifiers: Orphanet 64, MedGen C0268425, MONDO:0008763, OMIM 203800.

Allele frequency attached by ClinVar (database versions not stated): TOPMed below 0.00001; ExAC 0.00001; gnomAD 0.00001; gnomAD exomes 0.00001.

Submissions (2):

Blueprint Genetics
Classification: Uncertain significance. Last evaluated: 2022-12-08. Review status: criteria provided, single submitter. Criteria: ACMG Guidelines, 2015. Collection method: clinical testing. Allele origin: germline.

Labcorp Genetics (formerly Invitae), Labcorp
Classification: Uncertain significance for Alstrom syndrome. Last evaluated: 2022-07-09. Review status: criteria provided, single submitter. Criteria: Invitae Variant Classification Sherloc (09022015). Collection method: clinical testing. Allele origin: germline.
Comment: This sequence change replaces proline, which is neutral and non-polar, with leucine, which is neutral and non-polar, at codon 241 of the ALMS1 protein (p.Pro241Leu). The frequency data for this variant in the population databases is considered unreliable, as metrics indicate poor data quality at this position in the gnomAD database. This variant has not been reported in the literature in individuals affected with ALMS1-related conditions. Algorithms developed to predict the effect of missense changes on protein structure and function output the following: SIFT: "Not Available"; PolyPhen-2: "Not Available"; Align-GVGD: "Not Available". The leucine amino acid residue is found in multiple mammalian species, which suggests that this missense change does not adversely affect protein function. In summary, the available evidence is currently insufficient to determine the role of this variant in disease. Therefore, it has been classified as a Variant of Uncertain Significance.